The following is an entry in ClinVar:

ClinVar aggregate classification (germline): Benign/Likely benign. Review status: criteria provided, multiple submitters, no conflicts (2 of 4 stars). 5 submissions from 5 submitters: Benign (3); Likely benign (2). Last evaluated 2026-02-02.

Conditions:
Sitosterolemia (STSL). Also called: PHYTOSTEROLEMIA. Identifiers: Orphanet 2882, MedGen C0342907, MONDO:0008863.

Submissions (5):

Labcorp Genetics (formerly Invitae), Labcorp
Classification: Benign for Sitosterolemia. Last evaluated: 2026-02-02. Review status: criteria provided, single submitter. Criteria: Invitae Variant Classification Sherloc (09022015). Collection method: clinical testing. Allele origin: germline.

Women's Health and Genetics/Laboratory Corporation of America, LabCorp
Classification: Likely benign. Last evaluated: 2023-08-19. Review status: criteria provided, single submitter. Criteria: LabCorp Variant Classification Summary - May 2015. Collection method: clinical testing. Allele origin: germline.

Mayo Clinic Laboratories, Mayo Clinic
Classification: Benign. Last evaluated: 2021-10-22. Review status: criteria provided, single submitter. Criteria: ACMG Guidelines, 2015. Collection method: clinical testing. Allele origin: germline. Observed: 12 variant alleles.
Comment: BA1, BP4

GeneDx
Classification: Likely benign. Last evaluated: 2019-10-07. Review status: criteria provided, single submitter. Criteria: GeneDx Variant Classification Process June 2021. Collection method: clinical testing. Allele origin: germline. Affected: yes.

Eurofins Ntd Llc (ga)
Classification: Benign. Last evaluated: 2016-11-15. Review status: criteria provided, single submitter. Criteria: EGL Classification Definitions 2015. Collection method: clinical testing. Allele origin: germline. Observed: 2 variant alleles, 2 heterozygotes.

NM_022436.3(ABCG5):c.501+11dup

Gene: ABCG5 (ATP binding cassette subfamily G member 5; minus strand). Cytogenetic location: 2p21.
Variant type: Duplication.
Coding change: c.501+11dup on transcript NM_022436.3 (MANE Select); 11 bases into the intron after coding-DNA position 501, one base duplicated (C; older notation c.501+11dupC).
Molecular consequence: intron variant.
Genome position (GRCh38, 1-based): chr2:43,831,753, G duplicated on the plus strand (C on the coding strand, the reverse complement: ABCG5 is on the minus strand); the first of 6 consecutive G bases (chr2:43,831,753-43,831,758); duplicating any one gives the same sequence. VCF-style (leftmost placement, unchanged base first): chr2-43831752-C-CG. GRCh37 (hg19) VCF-style: chr2-44058891-C-CG.
Other names: p.?; c.501+16dup (NM_022436.3).
Identifiers: ClinVar variation 498050 (VCV000498050.16), dbSNP rs200655485, ClinGen allele CA1636659.